The following is an entry in ClinVar:

NM_006269.2(RP1):c.1530A>G (p.Ser510=)

Gene: RP1 (RP1 axonemal microtubule associated; plus strand). Cytogenetic location: 8q12.1.
Variant type: single nucleotide variant.
Coding change: c.1530A>G on transcript NM_006269.2 (MANE Select); coding-DNA position 1530, A replaced by G.
Protein change: p.Ser510=; no amino-acid change (serine 510 retained).
Molecular consequence: synonymous variant. On other transcripts: intron variant (1).
Genome position (GRCh38, 1-based): chr8:54,625,412, A>G. VCF-style: chr8-54625412-A-G. GRCh37 (hg19) VCF-style: chr8-55537972-A-G.
Other names: c.787+3124A>G (NM_001375654.1); c.1530A>G (NM_006269.1).
Identifiers: ClinVar variation 1529264 (VCV001529264.10), dbSNP rs148663385, ClinGen allele CA4751398.

ClinVar aggregate classification (germline): Likely benign. Review status: criteria provided, multiple submitters, no conflicts (2 of 4 stars). 3 submissions from 3 submitters: Likely benign (3). Last evaluated 2025-03-14.

Conditions:
RP1-related disorder. Also called: RP1-related condition.

Allele frequency attached by ClinVar (database versions not stated): gnomAD 0.00023 and 0.00021; ESP Exome Variant Server 0.00031; gnomAD exomes 0.00002 and 0.00007; ExAC 0.00006; 1000 Genomes Project 30x 0.00016; TOPMed 0.00018; 1000 Genomes Project 0.00020.
gnomAD v4.1: 63 of 1,614,044 alleles (0.0039%); highest among the groups gnomAD compares: African/African-American, 0.073%; no homozygotes.

Submissions (3):

PreventionGenetics, part of Exact Sciences
Classification: Likely benign for RP1-related condition. Last evaluated: 2025-03-14. Review status: criteria provided, single submitter. Criteria: ACMG Guidelines, 2015. Collection method: clinical testing. Allele origin: germline.
Comment: This variant is classified as likely benign based on ACMG/AMP sequence variant interpretation guidelines (Richards et al. 2015 PMID: 25741868, with internal and published modifications).

Labcorp Genetics (formerly Invitae), Labcorp
Classification: Likely benign. Last evaluated: 2025-02-01. Review status: criteria provided, single submitter. Criteria: Invitae Variant Classification Sherloc (09022015). Collection method: clinical testing. Allele origin: germline.

Blueprint Genetics
Classification: Likely benign. Last evaluated: 2024-10-24. Review status: criteria provided, single submitter. Criteria: ACMG Guidelines, 2015. Collection method: clinical testing. Allele origin: germline.